The following is an entry in ClinVar:

ClinVar aggregate classification (germline): Likely pathogenic (1 of 4 stars; one submission).

Conditions:
Rare genetic deafness. Identifiers: Orphanet 96210, MedGen C5680250.

Submission:

Laboratory for Molecular Medicine, Mass General Brigham Personalized Medicine
Classification: Likely pathogenic for Rare genetic deafness. Last evaluated: 2016-08-02. Review status: criteria provided, single submitter. Criteria: LMM Criteria. Collection method: clinical testing. Allele origin: germline. Inheritance: Autosomal recessive inheritance. Observed: 5 variant alleles.
Comment: The c.3128_3138+5del variant in STRC has been reported in one individual with he aring loss (Mandelker 2014, LMM data). Data from large population studies are i nsufficient to assess the frequency of this variant. This variant is a deletion of 16 nucleotides encompassing 11 nucleotides of exon 12 and 5 nucleotides of in tron 12, which includes the invariant region (+/- 1/2) of the splice consensus s equence. This deletion is predicted to cause altered splicing leading to an abno rmal or absent protein. Loss-of-function variants in the STRC gene are causative for autosomal recessive hearing loss. In summary, although additional studies a re required to fully establish its clinical significance, this variant is likely pathogenic.

Literature cited by the submitters: PubMed 25157971.

NC_000015.10:g.43611494_43611509del

Gene: STRC (stereocilin; minus strand). Cytogenetic location: 15q15.3.
Variant type: Deletion.
Genome position: GRCh38 VCF-style: chr15-43611493-ACTCACATCGTGCCTAG-A. GRCh37 (hg19) VCF-style: chr15-43903691-ACTCACATCGTGCCTAG-A.
Other names: c.3128_3138+5del (NM_153700.2).
Identifiers: ClinVar variation 505025 (VCV000505025.5), dbSNP rs1555447538, ClinGen allele CA658798323.